The following is an entry in ClinVar:

ClinVar aggregate classification (germline): Benign/Likely benign. Review status: criteria provided, multiple submitters, no conflicts (2 of 4 stars). 14 submissions from 14 submitters: Benign (6); Likely benign (4). 4 of the submissions do not count toward it. Last evaluated 2026-07-01.

Conditions:
PRKG1-related disorder. Also called: PRKG1-related condition.
Connective tissue disorder. Also called: Connective tissue disease. Identifiers: MedGen C0009782, MONDO:0003900.
Aortic aneurysm, familial thoracic 8 (AAT8). Identifiers: MedGen C3809513, MONDO:0014187, OMIM 615436.
Familial thoracic aortic aneurysm and aortic dissection (TAAD). Also called: Thoracic aortic aneurysms and dissections. Identifiers: Orphanet 91387, MedGen C4707243, MONDO:0019625.

Allele frequency attached by ClinVar (database versions not stated): 1000 Genomes Project 30x 0.00062; ExAC 0.00075; gnomAD exomes 0.00084 and 0.00168; gnomAD 0.00097; TOPMed 0.00097; ESP Exome Variant Server 0.00154; 1000 Genomes Project 0.00020.
gnomAD v4.1: 2,574 of 1,610,520 alleles (0.16%); highest among the groups gnomAD compares: Non-Finnish European, 0.2%; 6 homozygotes.

Submissions (14):

CeGaT Center for Human Genetics Tuebingen
Classification: Benign. Last evaluated: 2026-07-01. Review status: criteria provided, single submitter. Criteria: CeGaT Center For Human Genetics Tuebingen Variant Classification Criteria Version 2. Collection method: clinical testing. Allele origin: germline. Affected: yes. Observed: 3 variant alleles.
Comment: PRKG1: BS1, BS2

Labcorp Genetics (formerly Invitae), Labcorp
Classification: Benign for Aortic aneurysm, familial thoracic 8. Last evaluated: 2026-02-02. Review status: criteria provided, single submitter. Criteria: Invitae Variant Classification Sherloc (09022015). Collection method: clinical testing. Allele origin: germline.

ARUP Laboratories, Molecular Genetics and Genomics, ARUP Laboratories
Classification: Benign for Aortic aneurysm, familial thoracic 8. Last evaluated: 2025-06-10. Review status: criteria provided, single submitter. Criteria: ARUP Molecular Germline Variant Investigation Process 2024. Collection method: clinical testing. Allele origin: germline.

Molecular Diagnostic Laboratory for Inherited Cardiovascular Disease, Montreal Heart Institute
Classification: Benign. Last evaluated: 2025-04-09. Review status: criteria provided, single submitter. Criteria: ACMG Guidelines, 2015. Collection method: clinical testing. Allele origin: germline. Affected: no.

Blueprint Genetics
Classification: Likely benign. Last evaluated: 2024-11-08. Review status: criteria provided, single submitter. Criteria: ACMG Guidelines, 2015. Collection method: clinical testing. Allele origin: germline.

Women's Health and Genetics/Laboratory Corporation of America, LabCorp
Classification: Benign. Last evaluated: 2023-11-27. Review status: criteria provided, single submitter. Criteria: LabCorp Variant Classification Summary - May 2015. Collection method: clinical testing. Allele origin: germline.
Comment: Variant summary: PRKG1 c.1071A>G alters a conserved nucleotide resulting in a synonymous change. Consensus agreement among computation tools predict no significant impact on normal splicing. However, these predictions have yet to be confirmed by functional studies. The variant allele was found at a frequency of 0.00084 in 249390 control chromosomes. The observed variant frequency is approximately 67.043 fold of the estimated maximal expected allele frequency for a pathogenic variant in PRKG1 causing Thoracic Aortic Aneurysms And Dissections phenotype (1.3e-05), strongly suggesting that the variant is benign. To our knowledge, no occurrence of c.1071A>G in individuals affected with Thoracic Aortic Aneurysms And Dissections and no experimental evidence demonstrating its impact on protein function have been reported. Six submitters have cited clinical-significance assessments for this variant to ClinVar after 2014. All submitters classified the variant as benign/likely benign. Based on the evidence outlined above, the variant was classified as benign.

CHEO Genetics Diagnostic Laboratory, Children's Hospital of Eastern Ontario
Classification: Benign for Familial thoracic aortic aneurysm and aortic dissection. Last evaluated: 2023-01-17. Review status: criteria provided, single submitter. Criteria: ACMG Guidelines, 2015. Collection method: clinical testing. Allele origin: germline.

GeneDx
Classification: Likely benign. Last evaluated: 2021-08-02. Review status: criteria provided, single submitter. Criteria: GeneDx Variant Classification Process June 2021. Collection method: clinical testing. Allele origin: germline. Affected: yes.

Center for Human Genetics, Inc
Classification: Likely benign for Connective tissue disorder. Last evaluated: 2016-11-01. Review status: criteria provided, single submitter. Criteria: ACMG Guidelines, 2015. Collection method: clinical testing. Allele origin: germline. Affected: yes.

Ambry Genetics
Classification: Likely benign for Familial thoracic aortic aneurysm and aortic dissection. Last evaluated: 2015-06-30. Review status: criteria provided, single submitter. Criteria: Ambry Variant Classification Scheme 2023. Collection method: clinical testing. Allele origin: germline.

PreventionGenetics, part of Exact Sciences
Classification: Likely benign for PRKG1-related condition. Last evaluated: 2021-09-15. Review status: no assertion criteria provided. Collection method: clinical testing. Allele origin: germline. Not counted in ClinVar's aggregate classification.
Comment: This variant is classified as likely benign based on ACMG/AMP sequence variant interpretation guidelines (Richards et al. 2015 PMID: 25741868, with internal and published modifications).

Clinical Genetics DNA and cytogenetics Diagnostics Lab, Erasmus MC, Erasmus Medical Center
Classification: Likely benign. Review status: no assertion criteria provided. Collection method: clinical testing. Allele origin: germline. Affected: yes. Study: VKGL Data-share Consensus. Not counted in ClinVar's aggregate classification.

Genome Diagnostics Laboratory, Amsterdam University Medical Center
Classification: Likely benign. Review status: no assertion criteria provided. Collection method: clinical testing. Allele origin: germline. Affected: yes. Study: VKGL Data-share Consensus. Not counted in ClinVar's aggregate classification.

Genome Diagnostics Laboratory, University Medical Center Utrecht
Classification: Likely benign. Review status: no assertion criteria provided. Collection method: clinical testing. Allele origin: germline. Affected: yes. Study: VKGL Data-share Consensus. Not counted in ClinVar's aggregate classification.

NM_006258.4(PRKG1):c.1071A>G (p.Lys357=)

Gene: PRKG1 (protein kinase cGMP-dependent 1; plus strand). Cytogenetic location: 10q21.1.
Variant type: single nucleotide variant.
Coding change: c.1071A>G on transcript NM_006258.4 (MANE Select); coding-DNA position 1071, A replaced by G.
Protein change: p.Lys357=; no amino-acid change (lysine 357 retained).
Molecular consequence: synonymous variant.
Genome position (GRCh38, 1-based): chr10:52,161,958, A>G. VCF-style: chr10-52161958-A-G. GRCh37 (hg19) VCF-style: chr10-53921718-A-G.
Other names: c.1071A>G, p.Lys357= (LRG_1135t1); c.1026A>G, p.Lys342= (NM_001098512.3, LRG_1135t2).
Identifiers: ClinVar variation 240638 (VCV000240638.57), dbSNP rs75650199, ClinGen allele CA5503738.